The following is an entry in ClinVar:

ClinVar aggregate classification (germline): Uncertain significance. Review status: criteria provided, multiple submitters, no conflicts (2 of 4 stars). 2 submissions from 2 submitters: Uncertain significance (2). Last evaluated 2022-11-01.

Conditions:
Immunodeficiency, common variable, 2 (CVID2). Also called: HYPOGAMMAGLOBULINEMIA DUE TO TACI DEFICIENCY; ANTIBODY DEFICIENCY DUE TO TACI DEFECT. Identifiers: Orphanet 1572, MedGen C3150354, MONDO:0009413, OMIM 240500.

Allele frequency attached by ClinVar (database versions not stated): TOPMed 0.00002.
gnomAD v4.1: 172 of 1,613,966 alleles (0.011%); highest among the groups gnomAD compares: Non-Finnish European, 0.014%; no homozygotes.

Submissions (2):

Labcorp Genetics (formerly Invitae), Labcorp
Classification: Uncertain significance for Immunodeficiency, common variable, 2. Last evaluated: 2022-11-01. Review status: criteria provided, single submitter. Criteria: Invitae Variant Classification Sherloc (09022015). Collection method: clinical testing. Allele origin: germline.
Comment: This sequence change replaces arginine, which is basic and polar, with leucine, which is neutral and non-polar, at codon 14 of the TNFRSF13B protein (p.Arg14Leu). This variant is present in population databases (rs200309474, gnomAD 0.009%). This variant has not been reported in the literature in individuals affected with TNFRSF13B-related conditions. ClinVar contains an entry for this variant (Variation ID: 949022). Algorithms developed to predict the effect of missense changes on protein structure and function output the following: SIFT: "Tolerated"; PolyPhen-2: "Benign"; Align-GVGD: "Class C0". The leucine amino acid residue is found in multiple mammalian species, which suggests that this missense change does not adversely affect protein function. In summary, the available evidence is currently insufficient to determine the role of this variant in disease. Therefore, it has been classified as a Variant of Uncertain Significance.

GeneDx
Classification: Uncertain significance. Last evaluated: 2019-11-10. Review status: criteria provided, single submitter. Criteria: GeneDx Variant Classification Process June 2021. Collection method: clinical testing. Allele origin: germline. Affected: yes.
Comment: In silico analysis, which includes protein predictors and evolutionary conservation, supports that this variant does not alter protein structure/function; Has not been previously published as pathogenic or benign to our knowledge

NM_012452.3(TNFRSF13B):c.41G>T (p.Arg14Leu)

Gene: TNFRSF13B (TNF receptor superfamily member 13B; minus strand). Cytogenetic location: 17p11.2.
Variant type: single nucleotide variant.
Coding change: c.41G>T on transcript NM_012452.3 (MANE Select); coding-DNA position 41, G replaced by T.
Protein change: p.Arg14Leu; replaces arginine 14 with leucine.
Molecular consequence: missense variant.
Genome position (GRCh38, 1-based): chr17:16,972,035, C>A on the plus strand (G>T on the coding strand, the complement: TNFRSF13B is on the minus strand). VCF-style: chr17-16972035-C-A. GRCh37 (hg19) VCF-style: chr17-16875349-C-A.
Other names: short protein forms R14L.
Identifiers: ClinVar variation 949022 (VCV000949022.5), dbSNP rs200309474, ClinGen allele CA8414158.